The following is an entry in ClinVar:

ClinVar aggregate classification (germline): Conflicting classifications of pathogenicity. Review status: criteria provided, conflicting classifications (1 of 4 stars). 4 submissions from 4 submitters: Uncertain significance (3); Likely benign (1). Last evaluated 2026-01-10.

Conditions:
Schinzel-Giedion syndrome (SGS). Identifiers: Orphanet 798, MedGen C0265227, MONDO:0010010, OMIM 269150.

Allele frequency attached by ClinVar (database versions not stated): gnomAD 0.00001; gnomAD exomes below 0.00001; 1000 Genomes Project 0.00020; ExAC 0.00001; 1000 Genomes Project 30x 0.00016.
gnomAD v4.1: 4 of 1,614,040 alleles (0.00025%); highest among the groups gnomAD compares: South Asian, 0.0044%; no homozygotes.

Submissions (4):

Centre for Medical Genetics,  Mumbai
Classification: Likely benign for Schinzel-Giedion syndrome. Last evaluated: 2026-01-10. Review status: criteria provided, single submitter. Criteria: ACMG Guidelines, 2015. Collection method: provider interpretation. Allele origin: germline. Inheritance: Autosomal dominant inheritance. Affected: no. Observed: 1 variant allele, 1 homozygote.
Comment: The variant satisfies PM2 criteria; Extremely low frequency in gnomAD population databases. However, the variant satisfies BS2 criteria.

Labcorp Genetics (formerly Invitae), Labcorp
Classification: Uncertain significance. Last evaluated: 2022-09-28. Review status: criteria provided, single submitter. Criteria: Invitae Variant Classification Sherloc (09022015). Collection method: clinical testing. Allele origin: germline.
Comment: This sequence change replaces lysine, which is basic and polar, with arginine, which is basic and polar, at codon 670 of the SETBP1 protein (p.Lys670Arg). This variant is present in population databases (rs562900732, gnomAD 0.007%). This variant has not been reported in the literature in individuals affected with SETBP1-related conditions. Advanced modeling of protein sequence and biophysical properties (such as structural, functional, and spatial information, amino acid conservation, physicochemical variation, residue mobility, and thermodynamic stability) performed at Invitae indicates that this missense variant is not expected to disrupt SETBP1 protein function. In summary, the available evidence is currently insufficient to determine the role of this variant in disease. Therefore, it has been classified as a Variant of Uncertain Significance.

Revvity Omics, Revvity
Classification: Uncertain significance. Last evaluated: 2022-09-21. Review status: criteria provided, single submitter. Criteria: ACMG Guidelines, 2015. Collection method: clinical testing. Allele origin: germline.

GeneDx
Classification: Uncertain significance. Last evaluated: 2022-03-10. Review status: criteria provided, single submitter. Criteria: GeneDx Variant Classification Process June 2021. Collection method: clinical testing. Allele origin: germline. Affected: yes.
Comment: In silico analysis supports that this missense variant has a deleterious effect on protein structure/function; Has not been previously published as pathogenic or benign to our knowledge

Literature cited by the submitters: PubMed 20436468 (cited by Centre for Medical Genetics,  Mumbai).

NM_015559.3(SETBP1):c.2009A>G (p.Lys670Arg)

Gene: SETBP1 (SET binding protein 1; plus strand). Cytogenetic location: 18q12.3.
Variant type: single nucleotide variant.
Coding change: c.2009A>G on transcript NM_015559.3 (MANE Select); coding-DNA position 2009, A replaced by G.
Protein change: p.Lys670Arg; replaces lysine 670 with arginine.
Molecular consequence: missense variant.
Genome position (GRCh38, 1-based): chr18:44,951,349, A>G. VCF-style: chr18-44951349-A-G. GRCh37 (hg19) VCF-style: chr18-42531314-A-G.
Other names: c.2009A>G, p.Lys670Arg (NM_001379141.1, NM_001379142.1, NM_001410862.1); short protein forms K670R.
Identifiers: ClinVar variation 1704866 (VCV001704866.10), dbSNP rs562900732, ClinGen allele CA8945711.